The following is an entry in ClinVar:

ClinVar aggregate classification (germline): Pathogenic (1 of 4 stars; one submission).

Conditions:
Bloom syndrome (BLM). Also called: Bloom-Torre-Machacek syndrome. Identifiers: Orphanet 125, MedGen C0005859, MONDO:0008876, OMIM 210900.

Submission:

Labcorp Genetics (formerly Invitae), Labcorp
Classification: Pathogenic for Bloom syndrome. Last evaluated: 2022-06-13. Review status: criteria provided, single submitter. Criteria: Invitae Variant Classification Sherloc (09022015). Collection method: clinical testing. Allele origin: germline.
Comment: This variant is not present in population databases (gnomAD no frequency). This sequence change creates a premature translational stop signal (p.Leu908Valfs*17) in the BLM gene. It is expected to result in an absent or disrupted protein product. Loss-of-function variants in BLM are known to be pathogenic (PMID: 17407155). This variant has not been reported in the literature in individuals affected with BLM-related conditions. For these reasons, this variant has been classified as Pathogenic.

Literature cited by the submitters: PubMed 17407155.

NM_000057.4(BLM):c.2721dup (p.Leu908fs)

Gene: BLM (BLM RecQ like helicase; plus strand). Cytogenetic location: 15q26.1.
Variant type: Duplication.
Coding change: c.2721dup on transcript NM_000057.4 (MANE Select); coding-DNA position 2721, one base duplicated (G; older notation c.2721dupG).
Protein change: p.Leu908fs; shifts the reading frame from leucine 908.
Molecular consequence: frameshift variant.
Genome position (GRCh38, 1-based): chr15:90,784,979, G duplicated. VCF-style (leftmost placement, unchanged base first): chr15-90784978-C-CG. GRCh37 (hg19) VCF-style: chr15-91328208-C-CG.
Other names: c.2721dup, p.Leu908fs (NM_001287246.2, NM_001287247.2); c.1596dup, p.Leu533fs (NM_001287248.2); short protein forms L533fs, L908fs.
Identifiers: ClinVar variation 2005657 (VCV002005657.4), dbSNP rs2505501577, ClinGen allele CA2580090243.